The following is an entry in ClinVar:

NM_015331.3(NCSTN):c.898G>T (p.Ala300Ser)

Gene: NCSTN (nicastrin; plus strand). Cytogenetic location: 1q23.2.
Variant type: single nucleotide variant.
Coding change: c.898G>T on transcript NM_015331.3 (MANE Select); coding-DNA position 898, G replaced by T.
Protein change: p.Ala300Ser; replaces alanine 300 with serine.
Molecular consequence: missense variant. On other transcripts: intron variant (1).
Genome position (GRCh38, 1-based): chr1:160,352,108, G>T. VCF-style: chr1-160352108-G-T. GRCh37 (hg19) VCF-style: chr1-160321898-G-T.
Other names: c.838G>T, p.Ala280Ser (NM_001290184.2); c.898G>T, p.Ala300Ser (NM_001349729.2); c.583-779G>T (NM_001290186.2); short protein forms A280S, A300S.
Identifiers: ClinVar variation 2847820 (VCV002847820.3), dbSNP rs2525532364, ClinGen allele CA343279702.

ClinVar aggregate classification (germline): Uncertain significance (1 of 4 stars; one submission).

Submission:

Labcorp Genetics (formerly Invitae), Labcorp
Classification: Uncertain significance. Last evaluated: 2023-03-20. Review status: criteria provided, single submitter. Criteria: Invitae Variant Classification Sherloc (09022015). Collection method: clinical testing. Allele origin: germline.
Comment: This sequence change replaces alanine, which is neutral and non-polar, with serine, which is neutral and polar, at codon 300 of the NCSTN protein (p.Ala300Ser). This variant is not present in population databases (gnomAD no frequency). This variant has not been reported in the literature in individuals affected with NCSTN-related conditions. Advanced modeling of protein sequence and biophysical properties (such as structural, functional, and spatial information, amino acid conservation, physicochemical variation, residue mobility, and thermodynamic stability) performed at Invitae indicates that this missense variant is not expected to disrupt NCSTN protein function. Algorithms developed to predict the effect of sequence changes on RNA splicing suggest that this variant may create or strengthen a splice site. In summary, the available evidence is currently insufficient to determine the role of this variant in disease. Therefore, it has been classified as a Variant of Uncertain Significance.